The following is an entry in ClinVar:

NM_024753.5(TTC21B):c.389A>C (p.Tyr130Ser)

Genes: TTC21B (tetratricopeptide repeat domain 21B; minus strand), TTC21B-AS1 (TTC21B antisense RNA 1; plus strand). Cytogenetic location: 2q24.3.
Variant type: single nucleotide variant.
Coding change: c.389A>C on transcript NM_024753.5 (MANE Select); coding-DNA position 389, A replaced by C.
Protein change: p.Tyr130Ser; replaces tyrosine 130 with serine.
Molecular consequence: missense variant.
Genome position (GRCh38, 1-based): chr2:165,945,564, T>G on the plus strand (A>C on the coding strand, the complement: TTC21B is on the minus strand). VCF-style: chr2-165945564-T-G. GRCh37 (hg19) VCF-style: chr2-166802074-T-G.
Other names: short protein forms Y130S.
Identifiers: ClinVar variation 2010350 (VCV002010350.1), dbSNP rs1308267509, ClinGen allele CA349053508.

ClinVar aggregate classification (germline): Uncertain significance (1 of 4 stars; one submission).

Conditions:
Nephronophthisis. Also called: Juvenile Nephronophthisis. Identifiers: Orphanet 655, MedGen C0687120, MONDO:0019005, HP:0000090.
Jeune thoracic dystrophy. Also called: Short-rib thoracic dysplasia; Jeune syndrome; Infantile thoracic dystrophy; Thoracic pelvic phalangeal dystrophy; Jeune's syndrome; Chondroectodermal dysplasia-like syndrome. Identifiers: Orphanet 474, MedGen C0265275, MONDO:0018770.

Allele frequency attached by ClinVar (database versions not stated): gnomAD 0.00001.
gnomAD v4.1: 1 of 1,613,666 alleles (0.000062%); highest among the groups gnomAD compares: African/African-American, 0.0013%; no homozygotes.

Submission:

Labcorp Genetics (formerly Invitae), Labcorp
Classification: Uncertain significance for Jeune thoracic dystrophy; Nephronophthisis. Last evaluated: 2022-10-25. Review status: criteria provided, single submitter. Criteria: Invitae Variant Classification Sherloc (09022015). Collection method: clinical testing. Allele origin: germline.
Comment: This sequence change replaces tyrosine, which is neutral and polar, with serine, which is neutral and polar, at codon 130 of the TTC21B protein (p.Tyr130Ser). This variant is present in population databases (no rsID available, gnomAD 0.01%). This variant has not been reported in the literature in individuals affected with TTC21B-related conditions. Advanced modeling of protein sequence and biophysical properties (such as structural, functional, and spatial information, amino acid conservation, physicochemical variation, residue mobility, and thermodynamic stability) has been performed at Invitae for this missense variant, however the output from this modeling did not meet the statistical confidence thresholds required to predict the impact of this variant on TTC21B protein function. In summary, the available evidence is currently insufficient to determine the role of this variant in disease. Therefore, it has been classified as a Variant of Uncertain Significance.